The following is an entry in ClinVar:

ClinVar aggregate classification (germline): Likely benign. Review status: criteria provided, multiple submitters, no conflicts (2 of 4 stars). 4 submissions from 4 submitters: Likely benign (3). 1 of the submissions does not count toward it. Last evaluated 2025-10-13.

Conditions:
LOXHD1-related disorder. Also called: LOXHD1-related condition.

Allele frequency attached by ClinVar (database versions not stated): gnomAD 0.00011 and 0.00013; TOPMed 0.00013; gnomAD exomes 0.00014 and 0.00020; 1000 Genomes Project 30x 0.00016; 1000 Genomes Project 0.00020; ESP Exome Variant Server 0.00022; ExAC 0.00036.
gnomAD v4.1: 223 of 1,551,594 alleles (0.014%); highest among the groups gnomAD compares: Middle Eastern, 0.13%; 1 homozygote.

Submissions (4):

Labcorp Genetics (formerly Invitae), Labcorp
Classification: Likely benign. Last evaluated: 2025-10-13. Review status: criteria provided, single submitter. Criteria: Invitae Variant Classification Sherloc (09022015). Collection method: clinical testing. Allele origin: germline.

Blueprint Genetics
Classification: Likely benign. Last evaluated: 2024-11-27. Review status: criteria provided, single submitter. Criteria: ACMG Guidelines, 2015. Collection method: clinical testing. Allele origin: germline.

CeGaT Center for Human Genetics Tuebingen
Classification: Likely benign. Last evaluated: 2023-05-01. Review status: criteria provided, single submitter. Criteria: CeGaT Center For Human Genetics Tuebingen Variant Classification Criteria Version 2. Collection method: clinical testing. Allele origin: germline. Affected: yes. Observed: 2 variant alleles.
Comment: LOXHD1: BP4, BP7

PreventionGenetics, part of Exact Sciences
Classification: Likely benign for LOXHD1-related condition. Last evaluated: 2021-01-05. Review status: no assertion criteria provided. Collection method: clinical testing. Allele origin: germline. Not counted in ClinVar's aggregate classification.
Comment: This variant is classified as likely benign based on ACMG/AMP sequence variant interpretation guidelines (Richards et al. 2015 PMID: 25741868, with internal and published modifications).

NM_001384474.1(LOXHD1):c.1893C>T (p.Ser631=)

Gene: LOXHD1 (lipoxygenase homology PLAT domains 1; minus strand). Cytogenetic location: 18q21.1.
Variant type: single nucleotide variant.
Coding change: c.1893C>T on transcript NM_001384474.1 (MANE Select); coding-DNA position 1893, C replaced by T.
Protein change: p.Ser631=; no amino-acid change (serine 631 retained).
Molecular consequence: synonymous variant.
Genome position (GRCh38, 1-based): chr18:46,577,784, G>A on the plus strand (C>T on the coding strand, the complement: LOXHD1 is on the minus strand). VCF-style: chr18-46577784-G-A. GRCh37 (hg19) VCF-style: chr18-44157747-G-A.
Other names: c.1893C>T, p.Ser631= (NM_144612.7).
Identifiers: ClinVar variation 493237 (VCV000493237.55), dbSNP rs375920647, ClinGen allele CA8952740.
Genomic context (GRCh38, chr18:46,577,784, plus strand): 5'-CACGTTGTCGCTCTCAGGCTGCCCCTCCTCTCTCACCAGCACTCTGTCCAGGTACCAGCC[G>A]CTGCCGGAGCCTTTGCCATCGTGTCTGATCCTCACCCGCCTCACATTCCGCATGGTGACA-3'
Protein context (NP_001371403.1, residues 621-641): RIRHDGKGSG[Ser631=]GWYLDRVLVR